The following is an entry in ClinVar:

NM_000368.5(TSC1):c.1291T>C (p.Cys431Arg)

Gene: TSC1 (TSC complex subunit 1; minus strand). Cytogenetic location: 9q34.13.
Variant type: single nucleotide variant.
Coding change: c.1291T>C on transcript NM_000368.5 (MANE Select); coding-DNA position 1291, T replaced by C.
Protein change: p.Cys431Arg; replaces cysteine 431 with arginine.
Molecular consequence: missense variant.
Genome position (GRCh38, 1-based): chr9:132,907,343, A>G on the plus strand (T>C on the coding strand, the complement: TSC1 is on the minus strand). VCF-style: chr9-132907343-A-G. GRCh37 (hg19) VCF-style: chr9-135782730-A-G.
Other names: c.1288T>C, p.Cys430Arg (NM_001162426.2); c.1138T>C, p.Cys380Arg (NM_001162427.2); c.928T>C, p.Cys310Arg (NM_001362177.2); short protein forms C431R, C380R, C310R, C430R.
Identifiers: ClinVar variation 571832 (VCV000571832.15), dbSNP rs762688935, ClinGen allele CA200890000.

ClinVar aggregate classification (germline): Conflicting classifications of pathogenicity. Review status: criteria provided, conflicting classifications (1 of 4 stars). 5 submissions from 5 submitters: Uncertain significance (4); Benign (1). Last evaluated 2025-06-29.

Conditions:
Tuberous sclerosis syndrome (TSC). Also called: Tuberous sclerosis; Tuberous Sclerosis Complex. Identifiers: Orphanet 805, MedGen C0041341, MONDO:0001734.
Tuberous sclerosis 1 (TSC1). Identifiers: Orphanet 805, MedGen C1854465, MONDO:0008612, OMIM 191100.
Isolated focal cortical dysplasia type II (FCORD2). Also called: Focal cortical dysplasia type II; CORTICAL DYSPLASIA OF TAYLOR. Identifiers: Orphanet 268994, MedGen C1846385, MONDO:0011818, OMIM 607341, HP:0032051.
Lymphangiomyomatosis (LAM). Also called: Lymphangioleiomyomatosis; Lymphangioleiomyomatosis, somatic. Identifiers: Orphanet 538, MedGen C0751674, MONDO:0011705, OMIM 606690.
Hereditary cancer-predisposing syndrome. Also called: Hereditary neoplastic syndrome; Neoplastic Syndromes, Hereditary; Hereditary Cancer Syndrome; Tumor predisposition. Identifiers: Orphanet 140162, MedGen C0027672, MeSH D009386, MONDO:0015356.

Allele frequency attached by ClinVar (database versions not stated): gnomAD exomes 0.00004.
gnomAD v4.1: 52 of 1,614,120 alleles (0.0032%); highest among the groups gnomAD compares: Non-Finnish European, 0.0044%; no homozygotes.

Submissions (5):

Ambry Genetics
Classification: Uncertain significance for Hereditary cancer-predisposing syndrome. Last evaluated: 2025-06-29. Review status: criteria provided, single submitter. Criteria: Ambry Variant Classification Scheme 2023. Collection method: clinical testing. Allele origin: germline.
Comment: The p.C431R variant (also known as c.1291T>C), located in coding exon 11 of the TSC1 gene, results from a T to C substitution at nucleotide position 1291. The cysteine at codon 431 is replaced by arginine, an amino acid with highly dissimilar properties. This amino acid position is not well conserved in available vertebrate species. In addition, this alteration is predicted to be tolerated by in silico analysis. Since supporting evidence is limited at this time, the clinical significance of this alteration remains unclear.

Fulgent Genetics
Classification: Uncertain significance for Tuberous sclerosis 1; Lymphangiomyomatosis; Isolated focal cortical dysplasia type II. Last evaluated: 2024-06-18. Review status: criteria provided, single submitter. Criteria: ACMG Guidelines, 2015. Collection method: clinical testing. Allele origin: germline.

Labcorp Genetics (formerly Invitae), Labcorp
Classification: Benign for Tuberous sclerosis 1. Last evaluated: 2024-05-26. Review status: criteria provided, single submitter. Criteria: Invitae Variant Classification Sherloc (09022015). Collection method: clinical testing. Allele origin: germline.

All of Us Research Program, National Institutes of Health
Classification: Uncertain significance for Tuberous sclerosis syndrome. Last evaluated: 2024-05-14. Review status: criteria provided, single submitter. Criteria: ACMG Guidelines, 2015. Collection method: clinical testing. Allele origin: germline. Inheritance: Autosomal dominant inheritance. Observed: 2 variant alleles, 2 heterozygotes.
Comment: This missense variant replaces cysteine with arginine at codon 431 of the TSC1 protein. Computational prediction suggests that this variant may not impact protein structure and function (internally defined REVEL score threshold <= 0.5, PMID: 27666373). To our knowledge, functional studies have not been reported for this variant. This variant has not been reported in individuals affected with TSC1-related disorders in the literature. This variant has not been identified in the general population by the Genome Aggregation Database (gnomAD). The available evidence is insufficient to determine the role of this variant in disease conclusively. Therefore, this variant is classified as a Variant of Uncertain Significance.

This study involves interpretation of variants in research participants for the purpose of population health screening. Participant phenotype was not available at the time of variant classification. Additional details can be found in publication PMID: 35346344, PMCID: PMC8962531

Baylor Genetics
Classification: Uncertain significance for Isolated focal cortical dysplasia type II. Last evaluated: 2022-11-17. Review status: criteria provided, single submitter. Criteria: ACMG Guidelines, 2015. Collection method: clinical testing. Allele origin: unknown.